The following is an entry in ClinVar:

ClinVar aggregate classification (germline): Likely benign (0 of 4 stars; one submission).

Conditions:
DGKQ-related disorder. Also called: DGKQ-related condition.

Allele frequency attached by ClinVar (database versions not stated): ESP Exome Variant Server 0.00062; 1000 Genomes Project 30x 0.00078; 1000 Genomes Project 0.00080.
gnomAD v4.1: 244 of 1,609,496 alleles (0.015%); highest among the groups gnomAD compares: African/African-American, 0.12%; no homozygotes.

Submission:

PreventionGenetics, part of Exact Sciences
Classification: Likely benign for DGKQ-related condition. Last evaluated: 2019-06-04. Review status: no assertion criteria provided. Collection method: clinical testing. Allele origin: germline.
Comment: This variant is classified as likely benign based on ACMG/AMP sequence variant interpretation guidelines (Richards et al. 2015 PMID: 25741868, with internal and published modifications).

NM_001347.4(DGKQ):c.447C>T (p.Cys149=)

Gene: DGKQ (diacylglycerol kinase theta; minus strand). Cytogenetic location: 4p16.3.
Variant type: single nucleotide variant.
Coding change: c.447C>T on transcript NM_001347.4 (MANE Select); coding-DNA position 447, C replaced by T.
Protein change: p.Cys149=; no amino-acid change (cysteine 149 retained).
Molecular consequence: synonymous variant.
Genome position (GRCh38, 1-based): chr4:968,815, G>A on the plus strand (C>T on the coding strand, the complement: DGKQ is on the minus strand). VCF-style: chr4-968815-G-A. GRCh37 (hg19) VCF-style: chr4-962603-G-A.
Identifiers: ClinVar variation 3041681 (VCV003041681.2), dbSNP rs149082654, ClinGen allele CA2800953.